The following is an entry in ClinVar:

ClinVar aggregate classification (germline): Pathogenic. Review status: criteria provided, multiple submitters, no conflicts (2 of 4 stars). 4 submissions from 4 submitters: Pathogenic (4). Last evaluated 2026-09-04.

Conditions:
Cardiovascular phenotype. Identifiers: MedGen CN230736.
Long QT syndrome (LQTS). Identifiers: MedGen C0023976, MeSH D008133, MONDO:0002442. Disease mechanism: loss of function. Inheritance: Various modes of inheritance.

Submissions (4):

Molecular Diagnostic Laboratory for Inherited Cardiovascular Disease, Montreal Heart Institute
Classification: Pathogenic for Cardiovascular phenotype. Last evaluated: 2026-09-04. Review status: criteria provided, single submitter. Criteria: ACMG Guidelines, 2015. Collection method: clinical testing. Allele origin: germline. Affected: yes.
Comment: PVS1, PS4_supp, PM2, PP1

GeneDx
Classification: Pathogenic. Last evaluated: 2025-06-20. Review status: criteria provided, single submitter. Criteria: GeneDx Variant Classification Process June 2021. Collection method: clinical testing. Allele origin: germline. Affected: yes.
Comment: Frameshift variant predicted to result in protein truncation or nonsense mediated decay in a gene for which loss of function is a known mechanism of disease; Not observed at significant frequency in large population cohorts (gnomAD); This variant is associated with the following publications: (PMID: 28212739)

Ambry Genetics
Classification: Pathogenic for Cardiovascular phenotype. Last evaluated: 2025-05-28. Review status: criteria provided, single submitter. Criteria: Ambry Variant Classification Scheme 2023. Collection method: clinical testing. Allele origin: germline.
Comment: The c.220_233del14 (p.T74Cfs*66) alteration, located in exon 2 (coding exon 2) of the KCNH2 gene, consists of a deletion of 14 nucleotides from position 220 to 233, causing a translational frameshift with a predicted alternate stop codon after 66 amino acids. This alteration is expected to result in loss of function by premature protein truncation or nonsense-mediated mRNA decay. for KCNH2-related long QT syndrome; however, its clinical significance for KCNH2-related short QT syndrome is uncertain. This variant was not reported in population-based cohorts in the Genome Aggregation Database (gnomAD). This variant was reported in at least one individual with KCNH2-related long QT syndrome (Walsh, 2021). Based on the available evidence, this alteration is classified as pathogenic.

Labcorp Genetics (formerly Invitae), Labcorp
Classification: Pathogenic for Long QT syndrome. Last evaluated: 2024-11-05. Review status: criteria provided, single submitter. Criteria: Invitae Variant Classification Sherloc (09022015). Collection method: clinical testing. Allele origin: germline.
Comment: This sequence change creates a premature translational stop signal (p.Thr74Cysfs*66) in the KCNH2 gene. It is expected to result in an absent or disrupted protein product. Loss-of-function variants in KCNH2 are known to be pathogenic (PMID: 10973849, 19862833). This variant is not present in population databases (gnomAD no frequency). This variant has not been reported in the literature in individuals affected with KCNH2-related conditions. ClinVar contains an entry for this variant (Variation ID: 1458718). For these reasons, this variant has been classified as Pathogenic.

Literature cited by the submitters: PubMed 32893267 (cited by Ambry Genetics); PubMed 10973849 (cited by Labcorp Genetics (formerly Invitae), Labcorp); PubMed 19862833 (cited by Labcorp Genetics (formerly Invitae), Labcorp).

NM_000238.4(KCNH2):c.220_233del (p.Thr74fs)

Gene: KCNH2 (potassium voltage-gated channel subfamily H member 2; minus strand). Cytogenetic location: 7q36.1.
Variant type: Deletion.
Coding change: c.220_233del on transcript NM_000238.4 (MANE Select); coding-DNA positions 220 to 233, 14 bases deleted (ACGCAGCGCCGCGC).
Protein change: p.Thr74fs; shifts the reading frame from threonine 74.
Molecular consequence: frameshift variant.
Genome position (GRCh38, 1-based): chr7:150,974,785-150,974,798, GCGCGGCGCTGCGT deleted on the plus strand (ACGCAGCGCCGCGC on the coding strand, the reverse complement: KCNH2 is on the minus strand); deleting any 14 consecutive bases within chr7:150,974,785-150,974,805 gives the same sequence; the c. name uses the placement nearest the transcript's 3' end. VCF-style (leftmost placement, unchanged base first): chr7-150974784-AGCGCGGCGCTGCGT-A. GRCh37 (hg19) VCF-style: chr7-150671872-AGCGCGGCGCTGCGT-A.
Other names: c.220_233del (NM_000238.2, NM_000238.3); c.220_233del14 (NM_000238.3); c.36_49delGCCGCGCACGCAGC, p.Thr15Cysfs (NM_001406755.1); c.213_226delGCCGCGCACGCAGC, p.Thr74Cysfs (NM_172056.3); short protein forms T74fs.
Identifiers: ClinVar variation 1458718 (VCV001458718.13), dbSNP rs2117062748, ClinGen allele CA2573141816.